The following is an entry in ClinVar:

ClinVar aggregate classification (germline): Pathogenic (1 of 4 stars; one submission).

Conditions:
Primary ciliary dyskinesia. Also called: Ciliary dyskinesia. Identifiers: Orphanet 244, MedGen C0008780, MONDO:0016575, HP:0012265.

Submission:

Labcorp Genetics (formerly Invitae), Labcorp
Classification: Pathogenic for Primary ciliary dyskinesia. Last evaluated: 2025-10-09. Review status: criteria provided, single submitter. Criteria: Invitae Variant Classification Sherloc (09022015). Collection method: clinical testing. Allele origin: germline.
Comment: This sequence change affects the initiator codon of the ZMYND10 mRNA. This change may impact translation initiation or efficiency. The next in-frame methionine is located at codon 27. This variant is not present in population databases (gnomAD no frequency). This variant has not been reported in the literature in individuals affected with ZMYND10-related conditions. This variant disrupts a region of the ZMYND10 protein in which other variant(s) (p.Val16Gly) have been determined to be pathogenic (PMID: 23891469, 23891471). This suggests that this is a clinically significant region of the protein, and that variants that disrupt it are likely to be disease-causing. For these reasons, this variant has been classified as Pathogenic.

Literature cited by the submitters: PubMed 23891469; PubMed 23891471.

NM_015896.4(ZMYND10):c.3G>A (p.Met1Ile)

Gene: ZMYND10 (zinc finger MYND-type containing 10; minus strand). Cytogenetic location: 3p21.31.
Variant type: single nucleotide variant.
Coding change: c.3G>A on transcript NM_015896.4 (MANE Select); coding-DNA position 3, G replaced by A.
Protein change: p.Met1Ile; changes the start codon (methionine 1).
Molecular consequence: missense variant, initiator codon variant.
Genome position (GRCh38, 1-based): chr3:50,345,577, C>T on the plus strand (G>A on the coding strand, the complement: ZMYND10 is on the minus strand). VCF-style: chr3-50345577-C-T. GRCh37 (hg19) VCF-style: chr3-50383008-C-T.
Other names: c.3G>A, p.Met1Ile (NM_001308379.2); short protein forms M1I.
Identifiers: ClinVar variation 4782290 (VCV004782290.1).